The following is an entry in ClinVar:

NM_032043.3(BRIP1):c.2716G>A (p.Glu906Lys)

Gene: BRIP1 (BRCA1 interacting DNA helicase 1; minus strand). Cytogenetic location: 17q23.2.
Variant type: single nucleotide variant.
Coding change: c.2716G>A on transcript NM_032043.3 (MANE Select); coding-DNA position 2716, G replaced by A.
Protein change: p.Glu906Lys; replaces glutamic acid 906 with lysine.
Molecular consequence: missense variant.
Genome position (GRCh38, 1-based): chr17:61,686,025, C>T on the plus strand (G>A on the coding strand, the complement: BRIP1 is on the minus strand). VCF-style: chr17-61686025-C-T. GRCh37 (hg19) VCF-style: chr17-59763386-C-T.
Other names: short protein forms E906K.
Identifiers: ClinVar variation 2449919 (VCV002449919.2), dbSNP rs759080195, ClinGen allele CA8690463.

ClinVar aggregate classification (germline): Uncertain significance (1 of 4 stars; one submission).

Conditions:
Hereditary cancer-predisposing syndrome. Also called: Neoplastic Syndromes, Hereditary; Tumor predisposition; Hereditary neoplastic syndrome; Hereditary Cancer Syndrome. Identifiers: Orphanet 140162, MedGen C0027672, MeSH D009386, MONDO:0015356.

Allele frequency attached by ClinVar (database versions not stated): gnomAD exomes below 0.00001; ExAC 0.00001.
gnomAD v4.1: 1 of 1,613,810 alleles (0.000062%); highest among the groups gnomAD compares: South Asian, 0.0011%; no homozygotes.

Submission:

Ambry Genetics
Classification: Uncertain significance for Hereditary cancer-predisposing syndrome. Last evaluated: 2022-11-25. Review status: criteria provided, single submitter. Criteria: Ambry Variant Classification Scheme 2023. Collection method: clinical testing. Allele origin: germline.
Comment: The p.E906K variant (also known as c.2716G>A), located in coding exon 18 of the BRIP1 gene, results from a G to A substitution at nucleotide position 2716. The glutamic acid at codon 906 is replaced by lysine, an amino acid with similar properties. This amino acid position is conserved. In addition, this alteration is predicted to be tolerated by in silico analysis. Since supporting evidence is limited at this time, the clinical significance of this alteration remains unclear.